The following is an entry in ClinVar:

ClinVar aggregate classification (germline): Likely pathogenic (1 of 4 stars; one submission).

Conditions:
Chopra-Amiel-Gordon syndrome (CAGS). Also called: ANKRD17-Related Neurodevelopmental Syndrome. Identifiers: MedGen C5561975, MONDO:0859186, OMIM 619504.

Submission:

3billion
Classification: Likely pathogenic for Chopra-Amiel-Gordon syndrome. Review status: criteria provided, single submitter. Criteria: ACMG Guidelines, 2015. Collection method: clinical testing. Allele origin: unknown. Affected: yes. Observed: 1 heterozygote.
Comment: The variant is not observed in the gnomAD v2.1.1 dataset. The variant is predicted to result in a loss or disruption of normal protein function through nonsense-mediated decay (NMD) or protein truncation. Multiple pathogenic variants are reported downstream of the variant. Therefore, this variant is classified as Likely pathogenic according to the recommendation of ACMG/AMP guideline.

NM_032217.5(ANKRD17):c.7448_7454del (p.Met2483fs)

Gene: ANKRD17 (ankyrin repeat domain 17; minus strand). Cytogenetic location: 4q13.3.
Variant type: Deletion.
Coding change: c.7448_7454del on transcript NM_032217.5 (MANE Select); coding-DNA positions 7448 to 7454, 7 bases deleted (TGATCCA; older notation c.7448_7454delTGATCCA).
Protein change: p.Met2483fs; shifts the reading frame from methionine 2483.
Molecular consequence: frameshift variant.
Genome position (GRCh38, 1-based): chr4:73,077,488-73,077,494, TGGATCA deleted on the plus strand (TGATCCA on the coding strand, the reverse complement: ANKRD17 is on the minus strand); deleting any 7 consecutive bases within chr4:73,077,488-73,077,495 gives the same sequence; the c. name uses the placement nearest the transcript's 3' end. VCF-style (leftmost placement, unchanged base first): chr4-73077487-GTGGATCA-G. GRCh37 (hg19) VCF-style: chr4-73943204-GTGGATCA-G.
Other names: c.7109_7115del, p.Met2370fs (NM_001286771.3); c.7445_7451del, p.Met2482fs (NM_015574.2); c.6695_6701del, p.Met2232fs (NM_198889.3); short protein forms M2232fs, M2370fs, M2482fs, M2483fs.
Identifiers: ClinVar variation 2572563 (VCV002572563.1), dbSNP rs2530023546, ClinGen allele CA2580616111.